The following is an entry in ClinVar:

ClinVar aggregate classification (germline): Pathogenic (1 of 4 stars; one submission).

Conditions:
Neurofibromatosis, type 1 (NF1). Also called: Peripheral type neurofibromatosis; VON RECKLINGHAUSEN DISEASE; Neurofibromatosis, type I; NEUROFIBROMATOSIS, TYPE I, SOMATIC. Identifiers: Orphanet 636, MedGen C0027831, MONDO:0018975, OMIM 162200. Disease mechanism: loss of function.

Submission:

Labcorp Genetics (formerly Invitae), Labcorp
Classification: Pathogenic for Neurofibromatosis, type 1. Last evaluated: 2025-05-07. Review status: criteria provided, single submitter. Criteria: Invitae Variant Classification Sherloc (09022015). Collection method: clinical testing. Allele origin: germline.
Comment: This sequence change creates a premature translational stop signal (p.Val1510Leufs*43) in the NF1 gene. It is expected to result in an absent or disrupted protein product. Loss-of-function variants in NF1 are known to be pathogenic (PMID: 10712197, 23913538). This variant is not present in population databases (gnomAD no frequency). This variant has not been reported in the literature in individuals affected with NF1-related conditions. ClinVar contains an entry for this variant (Variation ID: 842480). Algorithms developed to predict the effect of sequence changes on RNA splicing suggest that this variant may disrupt the consensus splice site. For these reasons, this variant has been classified as Pathogenic.

Literature cited by the submitters: PubMed 10712197; PubMed 23913538.

NM_001042492.3(NF1):c.4590del (p.Val1531fs)

Gene: NF1 (neurofibromin 1; plus strand). Cytogenetic location: 17q11.2.
Variant type: Deletion.
Coding change: c.4590del on transcript NM_001042492.3 (MANE Select); coding-DNA position 4590, one base deleted (T; older notation c.4590delT).
Protein change: p.Val1531fs; shifts the reading frame from valine 1531.
Molecular consequence: frameshift variant.
Genome position (GRCh38, 1-based): chr17:31,261,723, T deleted. VCF-style (leftmost placement, unchanged base first): chr17-31261722-CT-C. GRCh37 (hg19) VCF-style: chr17-29588740-CT-C.
Other names: c.4527delT, p.Val1510Leufs (NM_000267.4); short protein forms V1510fs, V1531fs.
Identifiers: ClinVar variation 842480 (VCV000842480.7), dbSNP rs2067689582, ClinGen allele CA916080606.
Genomic context (GRCh38, chr17:31,261,722, plus strand): 5'-GCTAAATGTGAACTGCTAATTTTTTTTCTAAGTAGTTTGCTGTATCTAGGGATCATAAAG[CT>C]GTTGGAAGACGACCTTTTGATAAGATGGCAACACTTCTTGCATACCTGGGTCCTCCAGAG-3'